The following is an entry in ClinVar:

ClinVar aggregate classification (germline): Uncertain significance (1 of 4 stars; one submission).

Conditions:
Hyperphosphatasia with impaired intellectual development syndrome 2. Also called: Hyperphosphatasia with intellectual disability syndrome 2; GLYCOSYLPHOSPHATIDYLINOSITOL BIOSYNTHESIS DEFECT 6. Identifiers: Orphanet 247262, MedGen C3553637, MONDO:0013882, OMIM 614749.

Allele frequency attached by ClinVar (database versions not stated): gnomAD exomes below 0.00001; gnomAD 0.00001.
gnomAD v4.1: 2 of 1,614,046 alleles (0.00012%); highest among the groups gnomAD compares: Admixed American, 0.0033%; no homozygotes.

Submission:

Labcorp Genetics (formerly Invitae), Labcorp
Classification: Uncertain significance for Hyperphosphatasia with impaired intellectual development syndrome 2. Last evaluated: 2022-07-12. Review status: criteria provided, single submitter. Criteria: Invitae Variant Classification Sherloc (09022015). Collection method: clinical testing. Allele origin: germline.
Comment: This sequence change replaces glutamine, which is neutral and polar, with histidine, which is basic and polar, at codon 114 of the PIGO protein (p.Gln114His). This variant is present in population databases (no rsID available, gnomAD 0.003%). This variant has not been reported in the literature in individuals affected with PIGO-related conditions. ClinVar contains an entry for this variant (Variation ID: 1053565). Algorithms developed to predict the effect of missense changes on protein structure and function are either unavailable or do not agree on the potential impact of this missense change (SIFT: "Deleterious"; PolyPhen-2: "Benign"; Align-GVGD: "Class C0"). In summary, the available evidence is currently insufficient to determine the role of this variant in disease. Therefore, it has been classified as a Variant of Uncertain Significance.

NM_032634.4(PIGO):c.342G>T (p.Gln114His)

Gene: PIGO (phosphatidylinositol glycan anchor biosynthesis class O; minus strand). Cytogenetic location: 9p13.3.
Variant type: single nucleotide variant.
Coding change: c.342G>T on transcript NM_032634.4 (MANE Select); coding-DNA position 342, G replaced by T.
Protein change: p.Gln114His; replaces glutamine 114 with histidine.
Molecular consequence: missense variant.
Genome position (GRCh38, 1-based): chr9:35,095,224, C>A on the plus strand (G>T on the coding strand, the complement: PIGO is on the minus strand). VCF-style: chr9-35095224-C-A. GRCh37 (hg19) VCF-style: chr9-35095221-C-A.
Other names: c.342G>T, p.Gln114His (NM_001201484.2, NM_152850.4); short protein forms Q114H.
Identifiers: ClinVar variation 1053565 (VCV001053565.8), dbSNP rs1470054515, ClinGen allele CA373324484.
Genomic context (GRCh38, chr9:35,095,224, plus strand): 5'-GCGCTGCATGGTGGTGGTAGGAGGGTCAACCTGAGATCGGTAGAGCCGGGCATGGTGGGG[C>A]TGAATCTCCAGGATCCTCTGCAAGGAGCTTAGTTTGCCCAGGAAGGGTAGGGAGACAGGA-3'
Protein context (NP_116023.2, residues 104-124): LSSLQRILEI[Gln114His]PHHARLYRSQ